The following is an entry in ClinVar:

NM_144672.4(OTOA):c.1440G>T (p.Gln480His)

Gene: OTOA (otoancorin). Cytogenetic location: 16p12.2.
Variant type: single nucleotide variant.
Coding change: c.1440G>T on transcript NM_144672.4 (MANE Select); coding-DNA position 1440, G replaced by T.
Protein change: p.Gln480His; replaces glutamine 480 with histidine.
Molecular consequence: missense variant.
Genome position (GRCh38, 1-based): chr16:21,715,104, G>T. VCF-style: chr16-21715104-G-T. GRCh37 (hg19) VCF-style: chr16-21726425-G-T.
Other names: c.1203G>T, p.Gln401His (NM_001161683.2); c.468G>T, p.Gln156His (NM_170664.3); c.1440G>T (NM_144672.3); short protein forms Q156H, Q401H, Q480H.
Identifiers: ClinVar variation 1423152 (VCV001423152.8), dbSNP rs201185187, ClinGen allele CA7952631.

ClinVar aggregate classification (germline): Uncertain significance. Review status: criteria provided, multiple submitters, no conflicts (2 of 4 stars). 3 submissions from 3 submitters: Uncertain significance (3). Last evaluated 2025-04-01.

Conditions:
Inborn genetic diseases. Identifiers: MedGen C0950123, MeSH D030342.
Autosomal recessive nonsyndromic hearing loss 22. Identifiers: Orphanet 90636, MedGen C1846896, MONDO:0011762, OMIM 607039.

Allele frequency attached by ClinVar (database versions not stated): gnomAD exomes below 0.00001 and 0.00001; ExAC 0.00002; gnomAD 0.00006; TOPMed 0.00008; 1000 Genomes Project 30x 0.00016; 1000 Genomes Project 0.00020.
gnomAD v4.1: 15 of 1,614,210 alleles (0.00093%); highest among the groups gnomAD compares: Admixed American, 0.02%; no homozygotes.

Submissions (3):

Ambry Genetics
Classification: Uncertain significance for Inborn genetic diseases. Last evaluated: 2025-04-01. Review status: criteria provided, single submitter. Criteria: Ambry Variant Classification Scheme 2023. Collection method: clinical testing. Allele origin: germline.

Labcorp Genetics (formerly Invitae), Labcorp
Classification: Uncertain significance. Last evaluated: 2022-10-13. Review status: criteria provided, single submitter. Criteria: Invitae Variant Classification Sherloc (09022015). Collection method: clinical testing. Allele origin: germline.
Comment: This sequence change replaces glutamine, which is neutral and polar, with histidine, which is basic and polar, at codon 480 of the OTOA protein (p.Gln480His). This variant is present in population databases (rs201185187, gnomAD no frequency). This variant has not been reported in the literature in individuals affected with OTOA-related conditions. ClinVar contains an entry for this variant (Variation ID: 1423152). Algorithms developed to predict the effect of missense changes on protein structure and function are either unavailable or do not agree on the potential impact of this missense change (SIFT: "Deleterious"; PolyPhen-2: "Benign"; Align-GVGD: "Class C0"). Algorithms developed to predict the effect of sequence changes on RNA splicing suggest that this variant may disrupt the consensus splice site. In summary, the available evidence is currently insufficient to determine the role of this variant in disease. Therefore, it has been classified as a Variant of Uncertain Significance.

Fulgent Genetics
Classification: Uncertain significance for Autosomal recessive nonsyndromic hearing loss 22. Last evaluated: 2021-07-30. Review status: criteria provided, single submitter. Criteria: ACMG Guidelines, 2015. Collection method: clinical testing. Allele origin: unknown.